The following is an entry in ClinVar:

ClinVar aggregate classification (germline): Uncertain significance (1 of 4 stars; one submission).

Submission:

Ambry Genetics
Classification: Uncertain significance. Last evaluated: 2023-01-15. Review status: criteria provided, single submitter. Criteria: Ambry Variant Classification Scheme 2023. Collection method: clinical testing. Allele origin: germline.
Comment: The p.S716A variant (also known as c.2146T>G), located in coding exon 1 of the MLH3 gene, results from a T to G substitution at nucleotide position 2146. The serine at codon 716 is replaced by alanine, an amino acid with similar properties. This amino acid position is conserved. In addition, this alteration is predicted to be tolerated by in silico analysis. Since supporting evidence is limited at this time, the clinical significance of this alteration remains unclear.

NM_001040108.2(MLH3):c.2146T>G (p.Ser716Ala)

Gene: MLH3 (mutL homolog 3; minus strand). Cytogenetic location: 14q24.3.
Variant type: single nucleotide variant.
Coding change: c.2146T>G on transcript NM_001040108.2 (MANE Select); coding-DNA position 2146, T replaced by G.
Protein change: p.Ser716Ala; replaces serine 716 with alanine.
Molecular consequence: missense variant.
Genome position (GRCh38, 1-based): chr14:75,047,510, A>C on the plus strand (T>G on the coding strand, the complement: MLH3 is on the minus strand). VCF-style: chr14-75047510-A-C. GRCh37 (hg19) VCF-style: chr14-75514213-A-C.
Other names: c.2146T>G, p.Ser716Ala (NM_014381.3); short protein forms S716A.
Identifiers: ClinVar variation 2448648 (VCV002448648.2), dbSNP rs2503277429, ClinGen allele CA390441495.